The following is an entry in ClinVar:

NM_001329943.3(KIAA0586):c.3991-1G>A

Gene: KIAA0586 (KIAA0586; plus strand). Cytogenetic location: 14q23.1.
Variant type: single nucleotide variant.
Coding change: c.3991-1G>A on transcript NM_001329943.3 (MANE Select); the canonical splice acceptor site of the intron before coding-DNA position 3991, G replaced by A.
Molecular consequence: splice acceptor variant.
Genome position (GRCh38, 1-based): chr14:58,498,782, G>A. VCF-style: chr14-58498782-G-A. GRCh37 (hg19) VCF-style: chr14-58965500-G-A.
Other names: c.4150-1G>A (NM_001244189.2); c.3946-1G>A (NM_001244190.2); c.3859-1G>A (NM_001244192.2, NM_001329947.2); c.3736-1G>A (NM_001244191.2, NM_001364701.2, NM_001329945.2 and 1 more transcripts); c.3991-1G>A (NM_001329944.2, NM_001329946.2); c.3763-1G>A (NM_014749.5); c.3571-1G>A (NM_001244193.2).
Identifiers: ClinVar variation 2934599 (VCV002934599.6), dbSNP rs2543902802, ClinGen allele CA389885420.

ClinVar aggregate classification (germline): Likely pathogenic. Review status: criteria provided, multiple submitters, no conflicts (2 of 4 stars). 3 submissions from 3 submitters: Likely pathogenic (3). Last evaluated 2025-04-09.

Conditions:
Joubert syndrome 23 (JBTS23). Identifiers: Orphanet 475, MedGen C4084822, MONDO:0014664, OMIM 616490.
Short-rib thoracic dysplasia 14 with polydactyly (SRTD14). Identifiers: Orphanet 397715, MedGen C4225286, MONDO:0014688, OMIM 616546.
KIAA0586-related disorder. Also called: KIAA0586- Related disorders; KIAA0586-related condition.

Allele frequency attached by ClinVar (database versions not stated): gnomAD exomes below 0.00001.
gnomAD v4.1: 1 of 1,583,526 alleles (0.000063%); highest among the groups gnomAD compares: Non-Finnish European, 0.000086%; no homozygotes.

Submissions (3):

Dasa
Classification: Likely pathogenic. Last evaluated: 2025-04-09. Review status: criteria provided, single submitter. Criteria: DASA Assertion Criteria. Collection method: clinical testing. Allele origin: germline.
Comment: NM_001329943.3(KIAA0586):c.3991-1G>A affects a canonical splice site and is predicted to disrupt normal RNA splicing. Loss of function is an established disease mechanism for KIAA0586-associated disorders. Also, this variant is rare in population databases. Based on the currently available evidence, this variant is classified as likely pathogenic.

Labcorp Genetics (formerly Invitae), Labcorp
Classification: Likely pathogenic for Joubert syndrome 23; Short-rib thoracic dysplasia 14 with polydactyly. Last evaluated: 2023-11-27. Review status: criteria provided, single submitter. Criteria: Invitae Variant Classification Sherloc (09022015). Collection method: clinical testing. Allele origin: germline.
Comment: This sequence change affects an acceptor splice site in intron 28 of the KIAA0586 gene. It is expected to disrupt RNA splicing. Variants that disrupt the donor or acceptor splice site typically lead to a loss of protein function (PMID: 16199547), and loss-of-function variants in KIAA0586 are known to be pathogenic (PMID: 26096313, 26166481, 26386044). This variant is not present in population databases (gnomAD no frequency). This variant has not been reported in the literature in individuals affected with KIAA0586-related conditions. Algorithms developed to predict the effect of sequence changes on RNA splicing suggest that this variant may disrupt the consensus splice site. In summary, the currently available evidence indicates that the variant is pathogenic, but additional data are needed to prove that conclusively. Therefore, this variant has been classified as Likely Pathogenic.

Blueprint Genetics
Classification: Likely pathogenic for KIAA0586-related disorders. Last evaluated: 2022-02-07. Review status: criteria provided, single submitter. Criteria: ACMG Guidelines, 2015. Collection method: clinical testing. Allele origin: germline. Affected: yes. Observed: 1 variant allele.

Literature cited by the submitters: PubMed 16199547 (cited by Labcorp Genetics (formerly Invitae), Labcorp); PubMed 26096313 (cited by Labcorp Genetics (formerly Invitae), Labcorp); PubMed 26166481 (cited by Labcorp Genetics (formerly Invitae), Labcorp); PubMed 26386044 (cited by Labcorp Genetics (formerly Invitae), Labcorp).